The following is an entry in ClinVar:

ClinVar aggregate classification (germline): Uncertain significance (1 of 4 stars; one submission).

Allele frequency attached by ClinVar (database versions not stated): gnomAD exomes below 0.00001; TOPMed below 0.00001.
gnomAD v4.1: 9 of 1,598,758 alleles (0.00056%); highest among the groups gnomAD compares: East Asian, 0.0022%; no homozygotes.

Submission:

Labcorp Genetics (formerly Invitae), Labcorp
Classification: Uncertain significance. Last evaluated: 2025-12-01. Review status: criteria provided, single submitter. Criteria: Invitae Variant Classification Sherloc (09022015). Collection method: clinical testing. Allele origin: germline.
Comment: This sequence change replaces proline, which is neutral and non-polar, with leucine, which is neutral and non-polar, at codon 414 of the ARCN1 protein (p.Pro414Leu). This variant is present in population databases (no rsID available, gnomAD 0.003%). This variant has not been reported in the literature in individuals affected with ARCN1-related conditions. ClinVar contains an entry for this variant (Variation ID: 1521148). An algorithm developed to predict the effect of missense changes on protein structure and function (PolyPhen-2) suggests that this variant is likely to be disruptive. In summary, the available evidence is currently insufficient to determine the role of this variant in disease. Therefore, it has been classified as a Variant of Uncertain Significance.

NM_001655.5(ARCN1):c.1241C>T (p.Pro414Leu)

Gene: ARCN1 (archain 1 coat protein complex I subunit delta; plus strand). Cytogenetic location: 11q23.3.
Variant type: single nucleotide variant.
Coding change: c.1241C>T on transcript NM_001655.5 (MANE Select); coding-DNA position 1241, C replaced by T.
Protein change: p.Pro414Leu; replaces proline 414 with leucine.
Molecular consequence: missense variant.
Genome position (GRCh38, 1-based): chr11:118,593,698, C>T. VCF-style: chr11-118593698-C-T. GRCh37 (hg19) VCF-style: chr11-118464413-C-T.
Other names: c.977C>T, p.Pro326Leu (NM_001142281.2); short protein forms P326L, P414L.
Identifiers: ClinVar variation 1521148 (VCV001521148.6), dbSNP rs1555076703, ClinGen allele CA382814767.
Genomic context (GRCh38, chr11:118,593,698, plus strand): 5'-AATATGAGCTACAAGAAGATAATTTAGAACTGAATGATGTGGTTATCACCATCCCACTCC[C>T]GTAAGTGCTGTCCCTGTGTCCTCTACGGTGGACTTAGAGAACTGGTCTTTTGGAACTCAT-3'
Protein context (NP_001646.2, residues 404-424): LNDVVITIPL[Pro414Leu]SGVGAPVIGE